The following is an entry in ClinVar:

ClinVar aggregate classification (germline): Uncertain significance (1 of 4 stars; one submission).

Conditions:
Inborn genetic diseases. Identifiers: MedGen C0950123, MeSH D030342.

Submission:

Ambry Genetics
Classification: Uncertain significance for Inborn genetic diseases. Last evaluated: 2023-07-15. Review status: criteria provided, single submitter. Criteria: Ambry Variant Classification Scheme 2023. Collection method: clinical testing. Allele origin: germline.
Comment: The p.D1147G variant (also known as c.3440A>G), located in coding exon 17 of the ATR gene, results from an A to G substitution at nucleotide position 3440. The aspartic acid at codon 1147 is replaced by glycine, an amino acid with similar properties. This amino acid position is conserved. In addition, the in silico prediction for this alteration is inconclusive. Since supporting evidence is limited at this time, the clinical significance of this alteration remains unclear.

NM_001184.4(ATR):c.3440A>G (p.Asp1147Gly)

Gene: ATR (ATR checkpoint kinase; minus strand). Cytogenetic location: 3q23.
Variant type: single nucleotide variant.
Coding change: c.3440A>G on transcript NM_001184.4 (MANE Select); coding-DNA position 3440, A replaced by G.
Protein change: p.Asp1147Gly; replaces aspartic acid 1147 with glycine.
Molecular consequence: missense variant.
Genome position (GRCh38, 1-based): chr3:142,542,675, T>C on the plus strand (A>G on the coding strand, the complement: ATR is on the minus strand). VCF-style: chr3-142542675-T-C. GRCh37 (hg19) VCF-style: chr3-142261517-T-C.
Other names: c.3248A>G, p.Asp1083Gly (NM_001354579.2); short protein forms D1147G, D1083G.
Identifiers: ClinVar variation 2587569 (VCV002587569.2), dbSNP rs2473335772, ClinGen allele CA354809152.